The following is an entry in ClinVar:

NM_001170629.2(CHD8):c.7588C>G (p.Arg2530Gly)

Gene: CHD8 (chromodomain helicase DNA binding protein 8; minus strand). Cytogenetic location: 14q11.2.
Variant type: single nucleotide variant.
Coding change: c.7588C>G on transcript NM_001170629.2 (MANE Select); coding-DNA position 7588, C replaced by G.
Protein change: p.Arg2530Gly; replaces arginine 2530 with glycine.
Molecular consequence: missense variant.
Genome position (GRCh38, 1-based): chr14:21,385,771, G>C on the plus strand (C>G on the coding strand, the complement: CHD8 is on the minus strand). VCF-style: chr14-21385771-G-C. GRCh37 (hg19) VCF-style: chr14-21853930-G-C.
Other names: c.6751C>G, p.Arg2251Gly (NM_020920.4); short protein forms R2251G, R2530G.
Identifiers: ClinVar variation 1759638 (VCV001759638.2), dbSNP rs1410846258, ClinGen allele CA388874707.

ClinVar aggregate classification (germline): Uncertain significance (1 of 4 stars; one submission).

Conditions:
Inborn genetic diseases. Identifiers: MedGen C0950123, MeSH D030342.

gnomAD v4.1: 3 of 1,550,632 alleles (0.00019%); highest among the groups gnomAD compares: Non-Finnish European, 0.00026%; no homozygotes.

Submission:

Ambry Genetics
Classification: Uncertain significance for Inborn genetic diseases. Last evaluated: 2018-04-09. Review status: criteria provided, single submitter. Criteria: Ambry Variant Classification Scheme 2023. Collection method: clinical testing. Allele origin: germline.
Comment: The p.R2530G variant (also known as c.7588C>G), located in coding exon 37 of the CHD8 gene, results from a C to G substitution at nucleotide position 7588. The arginine at codon 2530 is replaced by glycine, an amino acid with dissimilar properties. This amino acid position is highly conserved in available vertebrate species. In addition, the in silico prediction for this alteration is inconclusive. Since supporting evidence is limited at this time, the clinical significance of this alteration remains unclear.